The following is an entry in ClinVar:

ClinVar aggregate classification (germline): Uncertain significance. Review status: criteria provided, multiple submitters, no conflicts (2 of 4 stars). 2 submissions from 2 submitters: Uncertain significance (2). Last evaluated 2024-11-26.

Conditions:
Immunodeficiency 35 (IMD35). Also called: HIES WITH ATYPICAL MYCOBACTERIOSIS, AUTOSOMAL RECESSIVE; HYPER-IgE SYNDROME WITH ATYPICAL MYCOBACTERIOSIS, AUTOSOMAL RECESSIVE; Susceptibility to infection due to TYK2 deficiency; TYK2 DEFICIENCY. Identifiers: Orphanet 331226, MedGen C1969086, MONDO:0012682, OMIM 611521.

Allele frequency attached by ClinVar (database versions not stated): ESP Exome Variant Server 0.00015; gnomAD 0.00018 and 0.00020; TOPMed 0.00019; gnomAD exomes 0.00025; ExAC 0.00049.
gnomAD v4.1: 487 of 1,601,224 alleles (0.03%); highest among the groups gnomAD compares: Non-Finnish European, 0.039%; 1 homozygote.

Submissions (2):

Blueprint Genetics
Classification: Uncertain significance. Last evaluated: 2024-11-26. Review status: criteria provided, single submitter. Criteria: ACMG Guidelines, 2015. Collection method: clinical testing. Allele origin: germline.

Labcorp Genetics (formerly Invitae), Labcorp
Classification: Uncertain significance for Immunodeficiency 35. Last evaluated: 2022-10-17. Review status: criteria provided, single submitter. Criteria: Invitae Variant Classification Sherloc (09022015). Collection method: clinical testing. Allele origin: germline.
Comment: This sequence change replaces glycine, which is neutral and non-polar, with serine, which is neutral and polar, at codon 496 of the TYK2 protein (p.Gly496Ser). This variant is present in population databases (rs202072909, gnomAD 0.05%). This variant has not been reported in the literature in individuals affected with TYK2-related conditions. ClinVar contains an entry for this variant (Variation ID: 581055). Algorithms developed to predict the effect of missense changes on protein structure and function output the following: SIFT: "Not Available"; PolyPhen-2: "Benign"; Align-GVGD: "Not Available". The serine amino acid residue is found in multiple mammalian species, which suggests that this missense change does not adversely affect protein function. In summary, the available evidence is currently insufficient to determine the role of this variant in disease. Therefore, it has been classified as a Variant of Uncertain Significance.

NM_003331.5(TYK2):c.1486G>A (p.Gly496Ser)

Gene: TYK2 (tyrosine kinase 2; minus strand). Cytogenetic location: 19p13.2.
Variant type: single nucleotide variant.
Coding change: c.1486G>A on transcript NM_003331.5 (MANE Select); coding-DNA position 1486, G replaced by A.
Protein change: p.Gly496Ser; replaces glycine 496 with serine.
Molecular consequence: missense variant.
Genome position (GRCh38, 1-based): chr19:10,362,447, C>T on the plus strand (G>A on the coding strand, the complement: TYK2 is on the minus strand). VCF-style: chr19-10362447-C-T. GRCh37 (hg19) VCF-style: chr19-10473123-C-T.
Other names: c.1486G>A (LRG_121t1); short protein forms G496S.
Identifiers: ClinVar variation 581055 (VCV000581055.7), dbSNP rs202072909, ClinGen allele CA9193400.